The following is an entry in ClinVar:

NM_182914.3(SYNE2):c.19199G>T (p.Gly6400Val)

Gene: SYNE2 (spectrin repeat containing nuclear envelope protein 2; plus strand). Cytogenetic location: 14q23.2.
Variant type: single nucleotide variant.
Coding change: c.19199G>T on transcript NM_182914.3 (MANE Select); coding-DNA position 19199, G replaced by T.
Protein change: p.Gly6400Val; replaces glycine 6400 with valine.
Molecular consequence: missense variant.
Genome position (GRCh38, 1-based): chr14:64,214,336, G>T. VCF-style: chr14-64214336-G-T. GRCh37 (hg19) VCF-style: chr14-64681054-G-T.
Other names: c.19199G>T, p.Gly6400Val (NM_015180.6); c.101G>T, p.Gly34Val (NM_182913.4); short protein forms G34V, G6400V.
Identifiers: ClinVar variation 3250433 (VCV003250433.1), dbSNP rs773312578.
Genomic context (GRCh38, chr14:64,214,336, plus strand): 5'-AACGGGGAGAGAGCGAGGAACCGTCATCTCCTCAGTCCCTGTGTCATCTAGTGGCCCCAG[G>T]GCACGAGCGGTCTGGCTGCGAGACCCCTGTCAGCGTGGACTCCATCCCCCTGGAGTGGGA-3'
Protein context (NP_878918.2, residues 6390-6410): PQSLCHLVAP[Gly6400Val]HERSGCETPV

ClinVar aggregate classification (germline): Uncertain significance (1 of 4 stars; one submission).

Conditions:
Emery-Dreifuss muscular dystrophy 5, autosomal dominant (EDMD5). Also called: EMERY-DREIFUSS MUSCULAR DYSTROPHY 5. Identifiers: Orphanet 261, MedGen C2751805, MONDO:0013072, OMIM 612999.

Allele frequency attached by ClinVar (database versions not stated): ExAC 0.00001.
gnomAD v4.1: 7 of 1,614,104 alleles (0.00043%); highest among the groups gnomAD compares: South Asian, 0.0077%; no homozygotes.

Submission:

Neuberg Centre For Genomic Medicine, NCGM
Classification: Uncertain significance for Emery-Dreifuss muscular dystrophy 5, autosomal dominant. Review status: criteria provided, single submitter. Criteria: ACMG Guidelines, 2015. Collection method: clinical testing. Allele origin: germline. Inheritance: Autosomal dominant inheritance. Affected: yes.
Comment: The observed missense variant c.19199G>T (p.Gly6400Val) in SYNE2 gene has not been reported previously as a pathogenic variant nor as a benign variant, to our knowledge. The p.Gly6400Val variant has allele frequency 0.001% in gnomAD Exomes. This variant has not been submitted to the ClinVar database. The amino acid change p.Gly6400Val in SYNE2 is predicted as conserved by GERP++ and PhyloP across 100 vertebrates. The amino acid Gly at position 6400 is changed to a Val changing protein sequence and it might alter its composition and physico-chemical properties. Multiple lines of computational evidence (Polyphen - Damaging, SIFT - Damaging and MutationTaster - Polymorphism) predicts conflicting evidence on protein structure and function for this variant. For these reasons, this variant has been classified as Variant of Uncertain Significance (VUS).